The following is an entry in ClinVar:

ClinVar aggregate classification (germline): Conflicting classifications of pathogenicity. Review status: criteria provided, conflicting classifications (1 of 4 stars). 7 submissions from 7 submitters: Uncertain significance (6); Likely benign (1). Last evaluated 2024-10-27.

Conditions:
Cardiovascular phenotype. Identifiers: MedGen CN230736.
Catecholaminergic polymorphic ventricular tachycardia 5 (CARDAR). Also called: CARDIAC ARRHYTHMIA SYNDROME, WITH OR WITHOUT SKELETAL MUSCLE WEAKNESS; Ventricular tachycardia, catecholaminergic polymorphic, 5, with or without muscle weakness. Identifiers: Orphanet 3286, MedGen C3809536, MONDO:0014191, OMIM 615441.
Catecholaminergic polymorphic ventricular tachycardia 1. Also called: VENTRICULAR TACHYCARDIA, CATECHOLAMINERGIC POLYMORPHIC, 1, WITH OR WITHOUT ATRIAL DYSFUNCTION AND/OR DILATED CARDIOMYOPATHY; VENTRICULAR TACHYCARDIA, STRESS-INDUCED POLYMORPHIC 1; RYR2-Related Catecholaminergic Polymorphic Ventricular Tachycardia. Identifiers: Orphanet 3286, MedGen C1631597, MONDO:0011484, OMIM 604772.

Allele frequency attached by ClinVar (database versions not stated): ESP Exome Variant Server 0.00008; gnomAD exomes 0.00008 and 0.00013; gnomAD 0.00009; TOPMed 0.00009; ExAC 0.00017.
gnomAD v4.1: 198 of 1,598,994 alleles (0.012%); highest among the groups gnomAD compares: Middle Eastern, 0.033%; no homozygotes.

Submissions (7):

Women's Health and Genetics/Laboratory Corporation of America, LabCorp
Classification: Uncertain significance. Last evaluated: 2024-10-27. Review status: criteria provided, single submitter. Criteria: LabCorp Variant Classification Summary - May 2015. Collection method: clinical testing. Allele origin: germline.

Fulgent Genetics
Classification: Uncertain significance for Catecholaminergic polymorphic ventricular tachycardia 5. Last evaluated: 2024-01-23. Review status: criteria provided, single submitter. Criteria: ACMG Guidelines, 2015. Collection method: clinical testing. Allele origin: germline.

Ambry Genetics
Classification: Likely benign for Cardiovascular phenotype. Last evaluated: 2023-12-20. Review status: criteria provided, single submitter. Criteria: Ambry Variant Classification Scheme 2023. Collection method: clinical testing. Allele origin: germline.

Labcorp Genetics (formerly Invitae), Labcorp
Classification: Uncertain significance for Catecholaminergic polymorphic ventricular tachycardia 1. Last evaluated: 2022-06-16. Review status: criteria provided, single submitter. Criteria: Invitae Variant Classification Sherloc (09022015). Collection method: clinical testing. Allele origin: germline.
Comment: This sequence change replaces proline, which is neutral and non-polar, with leucine, which is neutral and non-polar, at codon 295 of the TRDN protein (p.Pro295Leu). This variant is present in population databases (rs201899630, gnomAD 0.02%). This variant has not been reported in the literature in individuals affected with TRDN-related conditions. ClinVar contains an entry for this variant (Variation ID: 423500). Algorithms developed to predict the effect of missense changes on protein structure and function output the following: SIFT: "Deleterious"; PolyPhen-2: "Benign"; Align-GVGD: "Class C0". The leucine amino acid residue is found in multiple mammalian species, which suggests that this missense change does not adversely affect protein function. In summary, the available evidence is currently insufficient to determine the role of this variant in disease. Therefore, it has been classified as a Variant of Uncertain Significance.

Center for Genomics, Ann and Robert H. Lurie Children's Hospital of Chicago
Classification: Uncertain significance for Catecholaminergic polymorphic ventricular tachycardia 5. Last evaluated: 2021-03-30. Review status: criteria provided, single submitter. Criteria: ACMG Guidelines, 2015. Collection method: clinical testing. Allele origin: germline.
Comment: TRDN NM_006073.3 exon10 p.Pro295Leu (c.884C>T): This variant has not been reported in the literature, but it is present in 5/24132 Finnish alleles in the Genome Aggregation Database. This variant is present in ClinVar (Variation ID: 423500). This variant amino acid, Leucine (Leu), is present in >10 species and is not well conserved among evolutionarily distant species; this suggests that this variant may not impact the protein. Additional computational prediction tools do not suggest an impact. In summary, data on this variant are insufficient for disease classification. Therefore, the clinical significance of this variant is uncertain.

CeGaT Center for Human Genetics Tuebingen
Classification: Uncertain significance. Last evaluated: 2020-02-01. Review status: criteria provided, single submitter. Criteria: CeGaT Center For Human Genetics Tuebingen Variant Classification Criteria Version 2. Collection method: clinical testing. Allele origin: germline. Affected: yes. Observed: 1 variant allele.

GeneDx
Classification: Uncertain significance. Last evaluated: 2017-03-01. Review status: criteria provided, single submitter. Criteria: GeneDx Variant Classification (06012015). Collection method: clinical testing. Allele origin: germline. Affected: yes.
Comment: A variant of uncertain significance has been identified in the TRDN gene. The P295L variant has not been published as pathogenic or been reported as benign to our knowledge. This variant is not observed at a significant frequency in large population cohorts (Lek et al., 2016; 1000 Genomes Consortium et al., 2015; Exome Variant Server). The P295L variant is a semi-conservative amino acid substitution, which may impact secondary protein structure as these residues differ in some properties. However, this substitution occurs at a position that is not conserved across species and where leucine is the wild type in multiple species. Finally, in silico analysis predicts this variant likely does not alter the protein structure/function.

NM_006073.4(TRDN):c.884C>T (p.Pro295Leu)

Genes: TRDN (triadin; minus strand), TRDN-AS1 (TRDN antisense RNA 1; plus strand). Cytogenetic location: 6q22.31.
Variant type: single nucleotide variant.
Coding change: c.884C>T on transcript NM_006073.4 (MANE Select); coding-DNA position 884, C replaced by T.
Protein change: p.Pro295Leu; replaces proline 295 with leucine.
Molecular consequence: missense variant.
Genome position (GRCh38, 1-based): chr6:123,464,953, G>A on the plus strand (C>T on the coding strand, the complement: TRDN is on the minus strand). VCF-style: chr6-123464953-G-A. GRCh37 (hg19) VCF-style: chr6-123786098-G-A.
Other names: c.884C>T, p.Pro295Leu (NM_001251987.2); c.824C>T, p.Pro275Leu (NM_001256020.2); c.824C>T (NM_001256020.1); short protein forms P295L, P275L.
Identifiers: ClinVar variation 423500 (VCV000423500.51), dbSNP rs201899630, ClinGen allele CA3984230.